The following is an entry in ClinVar:

ClinVar aggregate classification (germline): Likely pathogenic. Review status: criteria provided, single submitter (1 of 4 stars). 3 submissions from 3 submitters: Likely pathogenic (1). 2 of the submissions do not count toward it. Last evaluated 2024-07-26.

Conditions:
Cardiovascular phenotype. Identifiers: MedGen CN230736.
Short QT syndrome. Also called: Familial short QT syndrome. Identifiers: Orphanet 51083, MedGen C2348199, MONDO:0000453.
Short QT syndrome type 1. Identifiers: Orphanet 51083, MedGen C1865020, MONDO:0012312, OMIM 609620.

Submissions (3):

Ambry Genetics
Classification: Likely pathogenic for Cardiovascular phenotype. Last evaluated: 2024-07-26. Review status: criteria provided, single submitter. Criteria: Ambry Variant Classification Scheme 2023. Collection method: clinical testing. Allele origin: germline.
Comment: The p.N588K variant (also known as c.1764C>G), located in coding exon 7 of the KCNH2 gene, results from a C to G substitution at nucleotide position 1764. The asparagine at codon 588 is replaced by lysine, an amino acid with similar properties. This alteration has been reported in individuals with short QT syndrome (SQTS) (Brugada R et al. Circulation, 2004 Jan;109:30-5; Hong K et al. J Cardiovasc Electrophysiol, 2005 Apr;16:394-6; Akdis D et al. Europace, 2018 Jun;20:f113-f121). In multiple assays testing KCNH2 function, this variant showed functionally abnormal results (Brugada R et al. Circulation, 2004 Jan;109:30-5; Grunnet M et al. Cell Physiol Biochem, 2008 Dec;22:611-24; McPate MJ et al. J Physiol Pharmacol, 2009 Mar;60:23-41; Adeniran I et al. PLoS Comput Biol, 2011 Dec;7:e1002313). In addition, a different alteration located at the same position, resulting in the same protein change, c.1764C>A (p.N588K), has been detected in individuals with SQTS (Brugada R et al. Circulation, 2004 Jan;109:30-5; Suzuki H et al. Pediatr Int, 2014 Oct;56:774-6). This amino acid position is well conserved in available vertebrate species. In addition, the in silico prediction for this alteration is inconclusive. Based on the majority of available evidence to date, this variant is likely to be pathogenic for KCNH2-related SQTS; however, its clinical significance for KCNH2-related long QT syndrome is uncertain.

OMIM
Classification: Pathogenic for SHORT QT SYNDROME 1. Last evaluated: 2005-04-01. Review status: no assertion criteria provided. Collection method: literature only. Allele origin: germline. Not counted in ClinVar's aggregate classification.

Cardiovascular Biomedical Research Unit, Royal Brompton & Harefield NHS Foundation Trust
No classification provided. Condition: Short QT syndrome. Review status: no classification provided. Collection method: literature only. Allele origin: germline. Not counted in ClinVar's aggregate classification.
Comment: This variant has been reported as associated with Short QT syndrome in the following publications (PMID:14676148;PMID:15828882;PMID:19088443;PMID:19439805;PMID:19501051;PMID:22194679). This is a literature report, and does not necessarily reflect the clinical interpretation of the Imperial College / Royal Brompton Cardiovascular Genetics laboratory.

Literature cited by the submitters: PubMed 14676148 (cited by 3 submitters); PubMed 15828882 (cited by 3 submitters); PubMed 29016797 (cited by Ambry Genetics); PubMed 12925462 (cited by OMIM); PubMed 11173780 (cited by OMIM); PubMed 19088443 (cited by Cardiovascular Biomedical Research Unit, Royal Brompton & Harefield NHS Foundation Trust); PubMed 19439805 (cited by Cardiovascular Biomedical Research Unit, Royal Brompton & Harefield NHS Foundation Trust); PubMed 19501051 (cited by Cardiovascular Biomedical Research Unit, Royal Brompton & Harefield NHS Foundation Trust); PubMed 22194679 (cited by Cardiovascular Biomedical Research Unit, Royal Brompton & Harefield NHS Foundation Trust); PubMed 22581653 (cited by Cardiovascular Biomedical Research Unit, Royal Brompton & Harefield NHS Foundation Trust).

NM_000238.4(KCNH2):c.1764C>G (p.Asn588Lys)

Gene: KCNH2 (potassium voltage-gated channel subfamily H member 2; minus strand). Cytogenetic location: 7q36.1.
Variant type: single nucleotide variant.
Coding change: c.1764C>G on transcript NM_000238.4 (MANE Select); coding-DNA position 1764, C replaced by G.
Protein change: p.Asn588Lys; replaces asparagine 588 with lysine.
Molecular consequence: missense variant.
Genome position (GRCh38, 1-based): chr7:150,951,629, G>C on the plus strand (C>G on the coding strand, the complement: KCNH2 is on the minus strand). VCF-style: chr7-150951629-G-C. GRCh37 (hg19) VCF-style: chr7-150648717-G-C.
Other names: KCNH2, ASN588LYS, 1764C-G; c.1764C>G (LRG_288t1); c.744C>G, p.Asn248Lys (NM_001204798.2, NM_172057.3); c.1476C>G, p.Asn492Lys (NM_001406753.1, NM_001406756.1); c.1587C>G, p.Asn529Lys (NM_001406755.1); c.1464C>G, p.Asn488Lys (NM_001406757.1); c.1764C>G, p.Asn588Lys (NM_172056.3); short protein forms N588K, N248K, N492K, N529K, N488K.
Identifiers: ClinVar variation 14436 (VCV000014436.4), dbSNP rs104894021, ClinGen allele CA005426.
Genomic context (GRCh38, chr7:150,951,629, plus strand): 5'-CTTGATGGAGGGGCCGCCCAGGCCGCTGCTGTTGTAGGGTTTGCCTATCTGGTCGCCCAG[G>C]TTGTGCAGCCAGCCGATGCGTGAGTCCATGTGTGGCTGCTCCATGTTGCCGATGGCGTAC-3'
Protein context (NP_000229.1, residues 578-598): HMDSRIGWLH[Asn588Lys]LGDQIGKPYN